The following is an entry in ClinVar:

NM_015158.5(KANK1):c.1794C>T (p.Ser598=)

Gene: KANK1 (KN motif and ankyrin repeat domains 1; plus strand). Cytogenetic location: 9p24.3.
Variant type: single nucleotide variant.
Coding change: c.1794C>T on transcript NM_015158.5 (MANE Select); coding-DNA position 1794, C replaced by T.
Protein change: p.Ser598=; no amino-acid change (serine 598 retained).
Molecular consequence: synonymous variant. On other transcripts: non-coding transcript variant (1).
Genome position (GRCh38, 1-based): chr9:712,560, C>T. VCF-style: chr9-712560-C-T. GRCh37 (hg19) VCF-style: chr9-712560-C-T.
Other names: c.1794C>T, p.Ser598= (NM_001256876.3, NM_001256877.3, NM_001354331.2 and 2 more transcripts); c.1320C>T, p.Ser440= (NM_001354333.2, NM_001354335.2, NM_001354336.2 and 9 more transcripts).
Identifiers: ClinVar variation 3058674 (VCV003058674.2), dbSNP rs138067222, ClinGen allele CA4960318.

ClinVar aggregate classification (germline): Likely benign (0 of 4 stars; one submission).

Conditions:
KANK1-related disorder. Also called: KANK1-related condition.

Allele frequency attached by ClinVar (database versions not stated): gnomAD exomes below 0.00001; ExAC 0.00002; gnomAD 0.00003; ESP Exome Variant Server 0.00008; TOPMed 0.00008.
gnomAD v4.1: 11 of 1,614,032 alleles (0.00068%); highest among the groups gnomAD compares: African/African-American, 0.0067%; no homozygotes.

Submission:

PreventionGenetics, part of Exact Sciences
Classification: Likely benign for KANK1-related condition. Last evaluated: 2019-03-14. Review status: no assertion criteria provided. Collection method: clinical testing. Allele origin: germline.
Comment: This variant is classified as likely benign based on ACMG/AMP sequence variant interpretation guidelines (Richards et al. 2015 PMID: 25741868, with internal and published modifications).